The following is an entry in ClinVar:

ClinVar aggregate classification (germline): Uncertain significance (1 of 4 stars; one submission).

Conditions:
DICER1-related tumor predisposition. Also called: DICER1-related pleuropulmonary blastoma cancer predisposition syndrome; DICER1 syndrome. Identifiers: Orphanet 284343, MedGen C3839822, MONDO:0100216.

Submission:

Labcorp Genetics (formerly Invitae), Labcorp
Classification: Uncertain significance for DICER1-related tumor predisposition. Last evaluated: 2019-10-17. Review status: criteria provided, single submitter. Criteria: Invitae Variant Classification Sherloc (09022015). Collection method: clinical testing. Allele origin: germline.
Comment: This variant is not present in population databases (ExAC no frequency). This variant has not been reported in the literature in individuals with DICER1-related conditions. Algorithms developed to predict the effect of missense changes on protein structure and function (SIFT, PolyPhen-2, Align-GVGD) all suggest that this variant is likely to be disruptive, but these predictions have not been confirmed by published functional studies and their clinical significance is uncertain. In summary, the available evidence is currently insufficient to determine the role of this variant in disease. Therefore, it has been classified as a Variant of Uncertain Significance. This sequence change replaces proline with serine at codon 1013 of the DICER1 protein (p.Pro1013Ser). The proline residue is highly conserved and there is a moderate physicochemical difference between proline and serine.

NM_177438.3(DICER1):c.3037C>T (p.Pro1013Ser)

Gene: DICER1 (dicer 1, ribonuclease III; minus strand). Cytogenetic location: 14q32.13.
Variant type: single nucleotide variant.
Coding change: c.3037C>T on transcript NM_177438.3 (MANE Select); coding-DNA position 3037, C replaced by T.
Protein change: p.Pro1013Ser; replaces proline 1013 with serine.
Molecular consequence: missense variant.
Genome position (GRCh38, 1-based): chr14:95,105,734, G>A on the plus strand (C>T on the coding strand, the complement: DICER1 is on the minus strand). VCF-style: chr14-95105734-G-A. GRCh37 (hg19) VCF-style: chr14-95572071-G-A.
Other names: c.3037C>T, p.Pro1013Ser (NM_001195573.1, NM_001271282.3, NM_001291628.2 and 1 more transcripts); short protein forms P1013S.
Identifiers: ClinVar variation 969608 (VCV000969608.11), dbSNP rs1891359216, ClinGen allele CA390878302.